The following is an entry in ClinVar:

NM_000228.3(LAMB3):c.629-1G>A

Gene: LAMB3 (laminin subunit beta 3; minus strand). Cytogenetic location: 1q32.2.
Variant type: single nucleotide variant.
Coding change: c.629-1G>A on transcript NM_000228.3 (MANE Select); the canonical splice acceptor site of the intron before coding-DNA position 629, G replaced by A.
Molecular consequence: splice acceptor variant.
Genome position (GRCh38, 1-based): chr1:209,632,777, C>T on the plus strand (G>A on the coding strand, the complement: LAMB3 is on the minus strand). VCF-style: chr1-209632777-C-T. GRCh37 (hg19) VCF-style: chr1-209806122-C-T.
Other names: IVS7, G-A, -1; c.629-1G>A (NM_001127641.1, NM_001017402.2).
Identifiers: ClinVar variation 14553 (VCV000014553.3), dbSNP rs587776814, ClinGen allele CA257288.

ClinVar aggregate classification (germline): Likely pathogenic. Review status: criteria provided, single submitter (1 of 4 stars). 2 submissions from 2 submitters: Likely pathogenic (1). 1 of the submissions does not count toward it. Last evaluated 2026-02-10.

Conditions:
Junctional epidermolysis bullosa. Identifiers: Orphanet 305, MedGen C0079301, MONDO:0017612.
Junctional epidermolysis bullosa, non-Herlitz type. Also called: COL17A1-Related Junctional Epidermolysis Bullosa; EPIDERMOLYSIS BULLOSA, JUNCTIONAL 1A, INTERMEDIATE; EPIDERMOLYSIS BULLOSA JUNCTIONALIS, DISENTIS TYPE; EPIDERMOLYSIS BULLOSA JUNCTIONALIS, NON-HERLITZ TYPE; EPIDERMOLYSIS BULLOSA JUNCTIONALIS, PROGRESSIVE; EPIDERMOLYSIS BULLOSA JUNCTIONALIS, SEVERE NONLETHAL. Identifiers: Orphanet 251393, Orphanet 79402, Orphanet 79405, Orphanet 89840, MedGen C0268374, MONDO:0009180, OMIM 226650.

Allele frequency attached by ClinVar (database versions not stated): gnomAD exomes below 0.00001.

Submissions (2):

Myriad Genetics, Inc.
Classification: Likely pathogenic for Junctional epidermolysis bullosa. Last evaluated: 2026-02-10. Review status: criteria provided, single submitter. Criteria: Myriad Autosomal Dominant, Autosomal Recessive and X-Linked Classification Criteria (2023). Collection method: clinical testing. Allele origin: unknown.
Comment: NM_000228.2(LAMB3):c.629-1G>A is a variant in a canonical splice site classified as likely pathogenic in the context of junctional epidermolysis bullosa, LAMB3-related. c.629-1G>A has not been observed in cases with relevant disease. Relevant functional assessments of this variant are not available in the literature. c.629-1G>A has not been observed in referenced population frequency databases. In summary, NM_000228.2(LAMB3):c.629-1G>A is a variant in a canonical splice site in a gene where loss of function is a known mechanism of disease and is predicted to disrupt protein function. Please note: this variant was assessed in the context of healthy population screening.

OMIM
Classification: Pathogenic for EPIDERMOLYSIS BULLOSA, JUNCTIONAL 1A, INTERMEDIATE, SOMATIC MOSAIC REVERTANT. Last evaluated: 2007-05-01. Review status: no assertion criteria provided. Collection method: literature only. Allele origin: somatic. Not counted in ClinVar's aggregate classification.

Literature cited by the submitters: PubMed 17476356 (cited by OMIM).